The following is an entry in ClinVar:

NC_000001.10:g.(?_241661118)_(241683032_?)dup

Genes: FH (fumarate hydratase; minus strand), LOC129932888 (ATAC-STARR-seq lymphoblastoid silent region 2007; plus strand). Cytogenetic location: 1q43.
Variant type: Duplication.
Identifiers: ClinVar variation 583810 (VCV000583810.3).

ClinVar aggregate classification (germline): Uncertain significance (1 of 4 stars; one submission).

Conditions:
Fumarase deficiency (FMRD). Also called: Fumaric aciduria; Fumarate Hydratase Deficiency. Identifiers: Orphanet 24, MedGen C0342770, MONDO:0011730, OMIM 606812.

Submission:

Labcorp Genetics (formerly Invitae), Labcorp
Classification: Uncertain significance for Fumarase deficiency. Last evaluated: 2019-07-10. Review status: criteria provided, single submitter. Criteria: Invitae Variant Classification Sherloc (09022015). Collection method: clinical testing. Allele origin: germline.
Comment: This variant results in a copy number gain of the genomic region encompassing the full coding sequence of the FH gene. The boundaries of this event are unknown as they extend beyond the assayed region for this gene and therefore may encompass additional genes. As the precise location of this event is unknown, it may be in tandem or it may be located elsewhere in the genome. This variant has not been reported in the literature in individuals with FH-related disease. ClinVar contains an entry for FH gene duplications (Variation ID: 460333). In summary, the available evidence is currently insufficient to determine the role of this variant in disease. Therefore, it has been classified as a Variant of Uncertain Significance.